The following is an entry in ClinVar:

NM_005029.4(PITX3):c.762C>A (p.Tyr254Ter)

Genes: GBF1 (golgi brefeldin A resistant guanine nucleotide exchange factor 1; plus strand), PITX3 (paired like homeodomain 3; minus strand), LOC130004591 (ATAC-STARR-seq lymphoblastoid silent region 2753; plus strand). Cytogenetic location: 10q24.32.
Variant type: single nucleotide variant.
Coding change: c.762C>A on transcript NM_005029.4 (MANE Select); coding-DNA position 762, C replaced by A.
Protein change: p.Tyr254Ter; replaces tyrosine 254 with a stop codon.
Molecular consequence: nonsense.
Genome position (GRCh38, 1-based): chr10:102,230,661, G>T on the plus strand (C>A on the coding strand, the complement: PITX3 is on the minus strand). VCF-style: chr10-102230661-G-T. GRCh37 (hg19) VCF-style: chr10-103990418-G-T.
Other names: short protein forms Y254*.
Identifiers: ClinVar variation 620191 (VCV000620191.3), dbSNP rs1564991147, ClinGen allele CA378160906.

ClinVar aggregate classification (germline): Pathogenic/Likely pathogenic. Review status: criteria provided, multiple submitters, no conflicts (2 of 4 stars). 3 submissions from 3 submitters: Pathogenic (1); Likely pathogenic (1). 1 of the submissions does not count toward it. Last evaluated 2026-03-18.

Conditions:
PITX3-related disorder. Also called: PITX3-related condition.
Cataract 11 multiple types. Also called: Cataract 11. Identifiers: Orphanet 91492, MedGen C1864567, MONDO:0012527, OMIM 610623.

Submissions (3):

Victorian Clinical Genetics Services, Murdoch Childrens Research Institute
Classification: Pathogenic for Cataract 11 multiple types. Last evaluated: 2026-03-18. Review status: criteria provided, single submitter. Criteria: ACMG Guidelines, 2015. Collection method: clinical testing. Allele origin: germline. Affected: yes.
Comment: This variant is classified as Pathogenic. Evidence in support of pathogenic classification: Variant is predicted to result in a truncated protein (premature termination codon is NOT located at least 54 nucleotides upstream of the final exon-exon junction) with less than 1/3 of the protein sequence affected; Variant is absent from gnomAD (v2, v3 and v4); This variant has limited previous evidence of pathogenicity in unrelated individual. This variant has been classified as likely pathogenic by clinical laboratories in ClinVar; Another truncating variant comparable to the one identified in this case has limited previous evidence for pathogenicity. The p.(Ser262*) variant has been reported in the literature in an individual with cataracts (PMID: 32830442); Variant is predicted to truncate the well-established OAR domain. The majority of reported pathogenic variants in PITX3 are predicted to result in the disruption of the OAR domain which is involved in DNA binding and transactivation (PMID: 30894134). Functional studies on an in frame deletion and an elongation variant affecting this domain showed decreased transactivation activity (PMID: 30816539); Additional information: This variant is heterozygous; This gene is associated with both recessive and dominant disease. This gene has mostly been associated with dominant disease. Rare cases of recessive inheritance have been reported in individuals with a more severe phenotype (PMID: 21836522, PMID: 30816539, PMID: 29405783); No published evidence of segregation with disease has been identified for this variant; No published functional evidence has been identified for this variant; Loss of function is a known mechanism of disease in this gene and is associated with PITX3-related anterior segment dysgenesis and cataracts (OMIM). Dominant negative has also been suggested as a mechanism of disease (PMID: 17888164); The condition associated with this gene has incomplete penetrance (PMID: 30816539); Variants in this gene are known to have variable expressivity. A wide range of interfamilial and intrafamilial phenotypic variability has been reported (PMID: 29405783).

GeneDx
Classification: Likely pathogenic. Last evaluated: 2018-06-11. Review status: criteria provided, single submitter. Criteria: GeneDx Variant Classification (06012015). Collection method: clinical testing. Allele origin: germline. Affected: yes.
Comment: The Y254X variant has not been published as a pathogenic variant, nor has it been reported as a benign variant to our knowledge. The Y254X variant is not observed in large population cohorts (Lek et al., 2016). The Y254X nonsense variant in the PITX3 gene is predicted to cause loss of normal protein function through protein truncation. Specifically, the last 49 amino acids are predicted to be lost. This variant is interpreted to be likely pathogenic.

PreventionGenetics, part of Exact Sciences
Classification: Likely pathogenic for PITX3-related condition. Last evaluated: 2024-07-26. Review status: no assertion criteria provided. Collection method: clinical testing. Allele origin: germline. Not counted in ClinVar's aggregate classification.
Comment: The PITX3 c.762C>A variant is predicted to result in premature protein termination (p.Tyr254*). This variant occurs within the terminal exon of PITX3 and truncates the protein by 49 amino acids. To our knowledge, this variant has not been reported in the literature or in a large population database, indicating this variant is rare. A nonsense variant downstream of p.Tyr254 has been reported in the heterozygous state in a patient with pediatric cataracts (Patient 23139 in Jackson et al. 2020. PubMed ID: 32830442). Based on this evidence, we interpret the c.762C>A (p.Tyr254*) variant as likely pathogenic.

Literature cited by the submitters: PubMed 29405783 (cited by Victorian Clinical Genetics Services, Murdoch Childrens Research Institute); PubMed 30816539 (cited by Victorian Clinical Genetics Services, Murdoch Childrens Research Institute); PubMed 32830442 (cited by Victorian Clinical Genetics Services, Murdoch Childrens Research Institute); PubMed 21836522 (cited by Victorian Clinical Genetics Services, Murdoch Childrens Research Institute); PubMed 17888164 (cited by Victorian Clinical Genetics Services, Murdoch Childrens Research Institute); PubMed 30894134 (cited by Victorian Clinical Genetics Services, Murdoch Childrens Research Institute).